The following is an entry in ClinVar:

NM_022458.4(LMBR1):c.423+3797C>T

Genes: LMBR1 (limb development membrane protein 1; minus strand), ZRS (ZPA regulatory sequence; plus strand). Cytogenetic location: 7q36.3.
Variant type: single nucleotide variant.
Coding change: c.423+3797C>T on transcript NM_022458.4 (MANE Select); 3797 bases into the intron after coding-DNA position 423, C replaced by T.
Molecular consequence: intron variant.
Genome position (GRCh38, 1-based): chr7:156,792,592, G>A on the plus strand (C>T on the coding strand, the complement: LMBR1 is on the minus strand). VCF-style: chr7-156792592-G-A. GRCh37 (hg19) VCF-style: chr7-156585286-G-A.
Other names: c.360+3797C>T (NM_001363412.2); c.144+3797C>T (NM_001350954.2); c.423+3797C>T (NM_001363410.2, NM_001363409.2, NM_001350953.2); c.-112+3797C>T (NM_001350958.2, NM_001350956.2, NM_001350955.2 and 1 more transcripts); c.54+3797C>T (NM_001350957.2, NM_001363411.2).
Identifiers: ClinVar variation 4985864 (VCV004985864.1).

ClinVar aggregate classification (germline): Uncertain significance (1 of 4 stars; one submission).

Conditions:
LMBR1-related disorder. Also called: LMBR1-related condition.

gnomAD v4.1: 75 of 152,322 alleles (0.049%); highest among the groups gnomAD compares: African/African-American, 0.18%; no homozygotes.

Submission:

PreventionGenetics, part of Exact Sciences
Classification: Uncertain significance for LMBR1-related condition. Last evaluated: 2025-07-23. Review status: criteria provided, single submitter. Criteria: ACMG Guidelines, 2015. Collection method: clinical testing. Allele origin: germline.
Comment: The LMBR1 c.423+3797C>T variant is predicted to interfere with splicing. To our knowledge, this variant has not been reported in the literature. This variant is reported in 0.11% of alleles in individuals of African descent in gnomAD. Although we suspect that this variant may be benign, at this time, the clinical significance of this variant is uncertain due to the absence of conclusive functional and genetic evidence.